The following is an entry in ClinVar:

Conditions:
Breast-ovarian cancer, familial, susceptibility to, 1 (BROVCA1). Also called: BRCA1 Hereditary Breast and Ovarian Cancer; OVARIAN CANCER, SUSCEPTIBILITY TO. Identifiers: Orphanet 145, MedGen C2676676, MONDO:0011450, OMIM 604370. Disease mechanism: loss of function.

Submission:

Brotman Baty Institute, University of Washington
No classification provided (evidence only). Condition: Breast-ovarian cancer, familial 1. Review status: no classification provided. Collection method: in vitro. Allele origin: not applicable. Functional consequence: functionally_normal.
ClinVar note: "not provided" was previously submitted as the classification for the variant. However, the classification appeared to be based only on an observation of functional data so it was converted to no classification on 2025-07-30.

NM_007294.4(BRCA1):c.5464C>G (p.His1822Asp)

Gene: BRCA1 (BRCA1 DNA repair associated; minus strand). Cytogenetic location: 17q21.31.
Variant type: single nucleotide variant.
Coding change: c.5464C>G on transcript NM_007294.4 (MANE Select); coding-DNA position 5464, C replaced by G.
Protein change: p.His1822Asp; replaces histidine 1822 with aspartic acid.
Molecular consequence: missense variant. On other transcripts: non-coding transcript variant (1).
Genome position (GRCh38, 1-based): chr17:43,047,646, G>C on the plus strand (C>G on the coding strand, the complement: BRCA1 is on the minus strand). VCF-style: chr17-43047646-G-C. GRCh37 (hg19) VCF-style: chr17-41199663-G-C.
Other names: c.5251C>G, p.His1751Asp (NM_001407900.1, NM_001407902.1, NM_001407904.1 and 12 more transcripts); c.5264C>G, p.Pro1755Arg (NM_001407939.1, NM_001407940.1); c.5261C>G, p.Pro1754Arg (NM_001407941.1); c.5249C>G, p.Pro1750Arg (NM_001407942.1); c.5246C>G, p.Pro1749Arg (NM_001407943.1, NM_001407944.1, NM_001407945.1); c.5131C>G, p.His1711Asp (NM_001407946.1, NM_001407947.1, NM_001407948.1 and 1 more transcripts); c.5125C>G, p.His1709Asp (NM_001407958.1, NM_001407956.1, NM_001407957.1); c.5083C>G, p.His1695Asp (NM_001407959.1); and 83 more; short protein forms H1775D, H1843D, P693R, H1822D, H718D, H1738D, H1751D, H1754D.
Identifiers: ClinVar variation 868518 (VCV000868518.3), dbSNP rs2050976551, ClinGen allele CA10590430.
Genomic context (GRCh38, chr17:43,047,646, plus strand): 5'-TAAACCAAACCCATGCAAAAGGACCCCATATAGCACAGGTACATGCAGGCACCTTACCAT[G>C]GAAGCCATTGTCCTCTGTCCAGGCATCTGGCTGCACAACCACAATTGGGTGGACACCCTG-3'
Protein context (NP_009225.1, residues 1812-1832): PDAWTEDNGF[His1822Asp]AIGQMCEAPV